The following is an entry in ClinVar:

ClinVar aggregate classification (germline): Conflicting classifications of pathogenicity. Review status: criteria provided, conflicting classifications (1 of 4 stars). 2 submissions from 2 submitters: Uncertain significance (1); Likely benign (1). Last evaluated 2025-06-19.

Conditions:
Hereditary cancer-predisposing syndrome. Also called: Neoplastic Syndromes, Hereditary; Hereditary neoplastic syndrome; Hereditary Cancer Syndrome; Tumor predisposition. Identifiers: Orphanet 140162, MedGen C0027672, MeSH D009386, MONDO:0015356.
Familial meningioma. Also called: Meningioma, familial, susceptibility to. Identifiers: Orphanet 263662, MedGen C3551915, MONDO:0011789, OMIM 607174.

Submissions (2):

Labcorp Genetics (formerly Invitae), Labcorp
Classification: Uncertain significance for Familial meningioma. Last evaluated: 2025-06-19. Review status: criteria provided, single submitter. Criteria: Invitae Variant Classification Sherloc (09022015). Collection method: clinical testing. Allele origin: germline.
Comment: This sequence change replaces methionine, which is neutral and non-polar, with isoleucine, which is neutral and non-polar, at codon 340 of the SMARCE1 protein (p.Met340Ile). This variant is not present in population databases (gnomAD no frequency). This variant has not been reported in the literature in individuals affected with SMARCE1-related conditions. ClinVar contains an entry for this variant (Variation ID: 2428449). Invitae Evidence Modeling of protein sequence and biophysical properties (such as structural, functional, and spatial information, amino acid conservation, physicochemical variation, residue mobility, and thermodynamic stability) indicates that this missense variant is not expected to disrupt SMARCE1 protein function with a negative predictive value of 80%. In summary, the available evidence is currently insufficient to determine the role of this variant in disease. Therefore, it has been classified as a Variant of Uncertain Significance.

Ambry Genetics
Classification: Likely benign for Hereditary cancer-predisposing syndrome. Last evaluated: 2023-10-30. Review status: criteria provided, single submitter. Criteria: Ambry Variant Classification Scheme 2023. Collection method: clinical testing. Allele origin: germline.

NM_003079.5(SMARCE1):c.1020G>T (p.Met340Ile)

Gene: SMARCE1 (SWI/SNF related BAF chromatin remodeling complex subunit E1; minus strand). Cytogenetic location: 17q21.2.
Variant type: single nucleotide variant.
Coding change: c.1020G>T on transcript NM_003079.5 (MANE Select); coding-DNA position 1020, G replaced by T.
Protein change: p.Met340Ile; replaces methionine 340 with isoleucine.
Molecular consequence: missense variant.
Genome position (GRCh38, 1-based): chr17:40,630,721, C>A on the plus strand (G>T on the coding strand, the complement: SMARCE1 is on the minus strand). VCF-style: chr17-40630721-C-A. GRCh37 (hg19) VCF-style: chr17-38786973-C-A.
Other names: short protein forms M340I.
Identifiers: ClinVar variation 2428449 (VCV002428449.7), dbSNP rs2037084779, ClinGen allele CA399363102.